The following is an entry in ClinVar:

NM_004360.5(CDH1):c.1139A>T (p.Tyr380Phe)

Gene: CDH1 (cadherin 1; plus strand). Cytogenetic location: 16q22.1.
Variant type: single nucleotide variant.
Coding change: c.1139A>T on transcript NM_004360.5 (MANE Select); coding-DNA position 1139, A replaced by T.
Protein change: p.Tyr380Phe; replaces tyrosine 380 with phenylalanine.
Molecular consequence: missense variant. On other transcripts: 5 prime UTR variant (2), intron variant (1).
Genome position (GRCh38, 1-based): chr16:68,813,314, A>T. VCF-style: chr16-68813314-A-T. GRCh37 (hg19) VCF-style: chr16-68847217-A-T.
Other names: c.-477A>T (NM_001317185.2); c.-681A>T (NM_001317186.2); c.1137+1051A>T (NM_001317184.2); short protein forms Y380F.
Identifiers: ClinVar variation 3224137 (VCV003224137.1), dbSNP rs2152133294, ClinGen allele CA396460985.

ClinVar aggregate classification (germline): Uncertain significance (1 of 4 stars; one submission).

Conditions:
Hereditary cancer-predisposing syndrome. Also called: Tumor predisposition; Hereditary neoplastic syndrome; Hereditary Cancer Syndrome; Neoplastic Syndromes, Hereditary. Identifiers: Orphanet 140162, MedGen C0027672, MeSH D009386, MONDO:0015356.

Submission:

Ambry Genetics
Classification: Uncertain significance for Hereditary cancer-predisposing syndrome. Last evaluated: 2023-12-08. Review status: criteria provided, single submitter. Criteria: Ambry Variant Classification Scheme 2023. Collection method: clinical testing. Allele origin: germline.
Comment: The p.Y380F variant (also known as c.1139A>T), located in coding exon 9 of the CDH1 gene, results from an A to T substitution at nucleotide position 1139. The tyrosine at codon 380 is replaced by phenylalanine, an amino acid with highly similar properties. This amino acid position is conserved. In addition, this alteration is predicted to be tolerated by in silico analysis. Since supporting evidence is limited at this time, the clinical significance of this alteration remains unclear.